The following is an entry in ClinVar:

NM_032242.4(PLXNA1):c.627C>T (p.Asn209=)

Gene: PLXNA1 (plexin A1; plus strand). Cytogenetic location: 3q21.3.
Variant type: single nucleotide variant.
Coding change: c.627C>T on transcript NM_032242.4 (MANE Select); coding-DNA position 627, C replaced by T.
Protein change: p.Asn209=; no amino-acid change (asparagine 209 retained).
Molecular consequence: synonymous variant.
Genome position (GRCh38, 1-based): chr3:126,989,220, C>T. VCF-style: chr3-126989220-C-T. GRCh37 (hg19) VCF-style: chr3-126708063-C-T.
Identifiers: ClinVar variation 3045410 (VCV003045410.2), dbSNP rs149556400, ClinGen allele CA2593009.

ClinVar aggregate classification (germline): Likely benign (0 of 4 stars; one submission).

Conditions:
PLXNA1-related disorder. Also called: PLXNA1-related condition.

Allele frequency attached by ClinVar (database versions not stated): gnomAD 0.00001; TOPMed 0.00002; gnomAD exomes 0.00003; ESP Exome Variant Server 0.00008; ExAC 0.00012.
gnomAD v4.1: 49 of 1,613,516 alleles (0.003%); highest among the groups gnomAD compares: Non-Finnish European, 0.0035%; no homozygotes.

Submission:

PreventionGenetics, part of Exact Sciences
Classification: Likely benign for PLXNA1-related condition. Last evaluated: 2023-04-26. Review status: no assertion criteria provided. Collection method: clinical testing. Allele origin: germline.
Comment: This variant is classified as likely benign based on ACMG/AMP sequence variant interpretation guidelines (Richards et al. 2015 PMID: 25741868, with internal and published modifications).